The following is an entry in ClinVar:

ClinVar aggregate classification (germline): Uncertain significance. Review status: criteria provided, multiple submitters, no conflicts (2 of 4 stars). 2 submissions from 2 submitters: Uncertain significance (2). Last evaluated 2026-01-15.

Conditions:
Auriculocondylar syndrome 2 (ARCND2A). Also called: AURICULOCONDYLAR SYNDROME 2A. Identifiers: Orphanet 137888, MedGen C3553404, MONDO:0013845, OMIM 614669.

gnomAD v4.1: 50 of 1,381,236 alleles (0.0036%); highest among the groups gnomAD compares: African/African-American, 0.064%; no homozygotes.

Submissions (2):

Dasa
Classification: Uncertain significance for Auriculocondylar syndrome 2. Last evaluated: 2026-01-15. Review status: criteria provided, single submitter. Criteria: DASA Assertion Criteria. Collection method: clinical testing. Allele origin: germline.
Comment: NM_001377142.1(PLCB4):c.1323+8T>C is a splice-region variant. This variant is rare in population databases. Computational prediction algorithms are consistent with a benign effect. The currently available literature and clinical evidence are not sufficient to establish a definitive association between this variant and the reported condition. Therefore, this variant is classified as a variant of uncertain significance.

Laboratorio de Genetica e Diagnostico Molecular, Hospital Israelita Albert Einstein
Classification: Uncertain significance for Auriculocondylar syndrome 2. Last evaluated: 2025-11-12. Review status: criteria provided, single submitter. Criteria: ACMG Guidelines, 2015. Collection method: clinical testing. Allele origin: germline. Affected: yes.
Comment: ACMG classification criteria: PM2 supporting, BP4 supporting

NM_001377142.1(PLCB4):c.1323+8T>C

Gene: PLCB4 (phospholipase C beta 4; plus strand). Cytogenetic location: 20p12.2.
Variant type: single nucleotide variant.
Coding change: c.1323+8T>C on transcript NM_001377142.1 (MANE Select); 8 bases into the intron after coding-DNA position 1323, T replaced by C.
Molecular consequence: intron variant.
Genome position (GRCh38, 1-based): chr20:9,390,623, T>C. VCF-style: chr20-9390623-T-C. GRCh37 (hg19) VCF-style: chr20-9371270-T-C.
Other names: c.1323+8T>C (NM_001377134.2, NM_000933.4, NM_182797.3 and 4 more transcripts).
Identifiers: ClinVar variation 4846889 (VCV004846889.3).
Genomic context (GRCh38, chr20:9,390,623, plus strand): 5'-GCGAAGATCTATTTGGGGATCTCCTGTTGAAACAAGCACTTGAATCACATCCAGTATGTA[T>C]TTTTAACAAACCATATTTCTAGCATGAATGGATTTGTTTTGAAAATTTCTGAAGGGTCAA-3'